The following is an entry in ClinVar:

ClinVar aggregate classification (germline): Uncertain significance (1 of 4 stars; one submission).

gnomAD v4.1: 1 of 1,584,320 alleles (0.000063%); highest among the groups gnomAD compares: Non-Finnish European, 0.000086%; no homozygotes.

Submission:

Labcorp Genetics (formerly Invitae), Labcorp
Classification: Uncertain significance. Last evaluated: 2024-08-12. Review status: criteria provided, single submitter. Criteria: Invitae Variant Classification Sherloc (09022015). Collection method: clinical testing. Allele origin: germline.
Comment: This sequence change affects codon 335 of the PTH1R mRNA. It is a 'silent' change, meaning that it does not change the encoded amino acid sequence of the PTH1R protein. This variant is not present in population databases (gnomAD no frequency). This variant has not been reported in the literature in individuals affected with PTH1R-related conditions. Algorithms developed to predict the effect of sequence changes on RNA splicing suggest that this variant may disrupt the consensus splice site. In summary, the available evidence is currently insufficient to determine the role of this variant in disease. Therefore, it has been classified as a Variant of Uncertain Significance.

NM_000316.3(PTH1R):c.1005C>T (p.Phe335=)

Gene: PTH1R (parathyroid hormone 1 receptor; plus strand). Cytogenetic location: 3p21.31.
Variant type: single nucleotide variant.
Coding change: c.1005C>T on transcript NM_000316.3 (MANE Select); coding-DNA position 1005, C replaced by T.
Protein change: p.Phe335=; no amino-acid change (phenylalanine 335 retained).
Molecular consequence: synonymous variant.
Genome position (GRCh38, 1-based): chr3:46,901,041, C>T. VCF-style: chr3-46901041-C-T. GRCh37 (hg19) VCF-style: chr3-46942531-C-T.
Other names: c.1005C>T, p.Phe335= (NM_001184744.1).
Identifiers: ClinVar variation 3675520 (VCV003675520.2).
Genomic context (GRCh38, chr3:46,901,041, plus strand): 5'-ACAGCAGCCACAGTCCTGCACACTGTCCCCCTCTGTGCCCACAGGTCTGCCCGCTGTCTT[C>T]GTGGCTGTGTGGGTCAGTGTCAGAGCTACCCTGGCCAACACCGGGTAGGTCCAGGTGGAG-3'
Protein context (NP_000307.1, residues 325-345): TVFGWGLPAV[Phe335=]VAVWVSVRAT